The following is an entry in ClinVar:

NM_020778.5(ALPK3):c.4725G>T (p.Gly1575=)

Gene: ALPK3 (alpha kinase 3; plus strand). Cytogenetic location: 15q25.3.
Variant type: single nucleotide variant.
Coding change: c.4725G>T on transcript NM_020778.5 (MANE Select); coding-DNA position 4725, G replaced by T.
Protein change: p.Gly1575=; no amino-acid change (glycine 1575 retained).
Molecular consequence: synonymous variant.
Genome position (GRCh38, 1-based): chr15:84,867,318, G>T. VCF-style: chr15-84867318-G-T. GRCh37 (hg19) VCF-style: chr15-85410549-G-T.
Other names: c.5331G>T (NM_020778.4).
Identifiers: ClinVar variation 1349956 (VCV001349956.10), dbSNP rs746383287, ClinGen allele CA7710070.

ClinVar aggregate classification (germline): Conflicting classifications of pathogenicity. Review status: criteria provided, conflicting classifications (1 of 4 stars). 3 submissions from 3 submitters: Uncertain significance (1); Likely benign (2). Last evaluated 2026-01-27.

Conditions:
Cardiomyopathy, familial hypertrophic 27. Identifiers: MedGen C4748014, MONDO:0054838, OMIM 618052.
Cardiovascular phenotype. Identifiers: MedGen CN230736.

Allele frequency attached by ClinVar (database versions not stated): gnomAD 0.00001; TOPMed 0.00002; ExAC 0.00004; gnomAD exomes 0.00004.
gnomAD v4.1: 13 of 1,613,784 alleles (0.00081%); highest among the groups gnomAD compares: Admixed American, 0.022%; no homozygotes.

Submissions (3):

Labcorp Genetics (formerly Invitae), Labcorp
Classification: Likely benign. Last evaluated: 2026-01-27. Review status: criteria provided, single submitter. Criteria: Invitae Variant Classification Sherloc (09022015). Collection method: clinical testing. Allele origin: germline.

Ambry Genetics
Classification: Likely benign for Cardiovascular phenotype. Last evaluated: 2025-08-30. Review status: criteria provided, single submitter. Criteria: Ambry Variant Classification Scheme 2023. Collection method: clinical testing. Allele origin: germline.

Clinical Genomics Laboratory, Stanford Medicine
Classification: Uncertain significance for Cardiomyopathy, familial hypertrophic 27. Last evaluated: 2023-06-07. Review status: criteria provided, single submitter. Criteria: ACMG Guidelines, 2015. Collection method: clinical testing. Allele origin: germline. Observed: 1 variant allele, 1 heterozygote.
Comment: The p.Gly1575Gly variant in the ALPK3 gene has not been previously reported in association with disease. This variant has been identified in 10/34586 Latino/Admixed American chromosomes (10/251480 chromosomes overall) by the Genome Aggregation Database. This variant is present in ClinVar (VCV001494213.5). Computational tools predict that this variant is neither deleterious nor benign; however, the accuracy of in silico algorithms is limited. These data were assessed using the ACMG/AMP variant interpretation guidelines. In summary, the significance of the p.Gly1575Gly variant is uncertain. Additional information is needed to resolve the significance of this variant. [ACMG evidence codes used: PM2_Supporting]